The following is an entry in ClinVar:

NM_005751.5(AKAP9):c.11680C>T (p.Gln3894Ter)

Gene: AKAP9 (A-kinase anchoring protein 9; plus strand). Cytogenetic location: 7q21.2.
Variant type: single nucleotide variant.
Coding change: c.11680C>T on transcript NM_005751.5 (MANE Select); coding-DNA position 11680, C replaced by T.
Protein change: p.Gln3894Ter; replaces glutamine 3894 with a stop codon.
Molecular consequence: nonsense.
Genome position (GRCh38, 1-based): chr7:92,108,627, C>T. VCF-style: chr7-92108627-C-T. GRCh37 (hg19) VCF-style: chr7-91737941-C-T.
Other names: c.6325C>T, p.Gln2109Ter (NM_001379277.1); c.11656C>T, p.Gln3886Ter (NM_147185.3); short protein forms Q3886*, Q3894*, Q2109*.
Identifiers: ClinVar variation 2449760 (VCV002449760.2), dbSNP rs1818905644, ClinGen allele CA368165441.
Genomic context (GRCh38, chr7:92,108,627, plus strand): 5'-AGAGCCCTAACAGATTATATCACTCGGCTAGAGGCACTGCAAAGACGACTTGGAACTATA[C>T]AGTCAGGTGCTCTGAGTTTAACCACATCTTGGCAGCACCACAGTGCGAGACCCACAGCTC-3'

ClinVar aggregate classification (germline): Uncertain significance (1 of 4 stars; one submission).

Conditions:
Cardiovascular phenotype. Identifiers: MedGen CN230736.

Allele frequency attached by ClinVar (database versions not stated): TOPMed 0.00001.
gnomAD v4.1: 1 of 1,614,182 alleles (0.000062%); highest among the groups gnomAD compares: Non-Finnish European, 0.000085%; no homozygotes.

Submission:

Ambry Genetics
Classification: Uncertain significance for Cardiovascular phenotype. Last evaluated: 2023-01-18. Review status: criteria provided, single submitter. Criteria: Ambry Variant Classification Scheme 2023. Collection method: clinical testing. Allele origin: germline.
Comment: The p.Q3894* variant (also known as c.11680C>T), located in coding exon 49 of the AKAP9 gene, results from a C to T substitution at nucleotide position 11680. This changes the amino acid from a glutamine to a stop codon within coding exon 49. This alteration is expected to result in protein truncation. However, loss of function of AKAP9 has not been established as a mechanism of disease. The evidence for this gene-disease relationship is limited; therefore, the clinical significance of this alteration is unclear.